The following is an entry in ClinVar:

NM_015354.3(NUP188):c.4509+7G>A

Gene: NUP188 (nucleoporin 188; plus strand). Cytogenetic location: 9q34.11.
Variant type: single nucleotide variant.
Coding change: c.4509+7G>A on transcript NM_015354.3 (MANE Select); 7 bases into the intron after coding-DNA position 4509, G replaced by A.
Molecular consequence: intron variant.
Genome position (GRCh38, 1-based): chr9:129,005,228, G>A. VCF-style: chr9-129005228-G-A. GRCh37 (hg19) VCF-style: chr9-131767507-G-A.
Identifiers: ClinVar variation 3037702 (VCV003037702.2), dbSNP rs372079905, ClinGen allele CA5273371.

ClinVar aggregate classification (germline): Benign (0 of 4 stars; one submission).

Conditions:
NUP188-related disorder. Also called: NUP188-related condition.

Allele frequency attached by ClinVar (database versions not stated): gnomAD 0.00084; gnomAD exomes 0.00141; ExAC 0.00344; 1000 Genomes Project 30x 0.00687; 1000 Genomes Project 0.00699.
gnomAD v4.1: 2,186 of 1,613,942 alleles (0.14%); highest among the groups gnomAD compares: South Asian, 2.3%; 44 homozygotes.

Submission:

PreventionGenetics, part of Exact Sciences
Classification: Benign for NUP188-related condition. Last evaluated: 2019-04-08. Review status: no assertion criteria provided. Collection method: clinical testing. Allele origin: germline.
Comment: This variant is classified as benign based on ACMG/AMP sequence variant interpretation guidelines (Richards et al. 2015 PMID: 25741868, with internal and published modifications).